The following is an entry in ClinVar:

NM_004371.4(COPA):c.1291C>T (p.Arg431Trp)

Gene: COPA (coat protein complex I subunit alpha; minus strand). Cytogenetic location: 1q23.2.
Variant type: single nucleotide variant.
Coding change: c.1291C>T on transcript NM_004371.4 (MANE Select); coding-DNA position 1291, C replaced by T.
Protein change: p.Arg431Trp; replaces arginine 431 with tryptophan.
Molecular consequence: missense variant.
Genome position (GRCh38, 1-based): chr1:160,307,174, G>A on the plus strand (C>T on the coding strand, the complement: COPA is on the minus strand). VCF-style: chr1-160307174-G-A. GRCh37 (hg19) VCF-style: chr1-160276964-G-A.
Other names: c.1291C>T, p.Arg431Trp (NM_001098398.2); short protein forms R431W.
Identifiers: ClinVar variation 2722077 (VCV002722077.3), dbSNP rs759516454, ClinGen allele CA1198135.

ClinVar aggregate classification (germline): Uncertain significance (1 of 4 stars; one submission).

Conditions:
Autoimmune interstitial lung disease-arthritis syndrome. Also called: Autoinflammation and autoimmunity, systemic, with immune dysregulation. Identifiers: Orphanet 444092, MedGen C5975714, MONDO:0014629.

Allele frequency attached by ClinVar (database versions not stated): ExAC 0.00001; gnomAD 0.00001; TOPMed 0.00002.

Submission:

Labcorp Genetics (formerly Invitae), Labcorp
Classification: Uncertain significance for Autoimmune interstitial lung disease-arthritis syndrome. Last evaluated: 2026-01-04. Review status: criteria provided, single submitter. Criteria: Invitae Variant Classification Sherloc (09022015). Collection method: clinical testing. Allele origin: germline.
Comment: This sequence change replaces arginine, which is basic and polar, with tryptophan, which is neutral and slightly polar, at codon 431 of the COPA protein (p.Arg431Trp). This variant is present in population databases (rs759516454, gnomAD 0.002%). This variant has not been reported in the literature in individuals affected with COPA-related conditions. ClinVar contains an entry for this variant (Variation ID: 2722077). Invitae Evidence Modeling of protein sequence and biophysical properties (such as structural, functional, and spatial information, amino acid conservation, physicochemical variation, residue mobility, and thermodynamic stability) indicates that this missense variant is expected to disrupt COPA protein function with a positive predictive value of 80%. In summary, the available evidence is currently insufficient to determine the role of this variant in disease. Therefore, it has been classified as a Variant of Uncertain Significance.